The following is an entry in ClinVar:

NM_000264.5(PTCH1):c.3550G>A (p.Val1184Met)

Gene: PTCH1 (patched 1; minus strand). Cytogenetic location: 9q22.32.
Variant type: single nucleotide variant.
Coding change: c.3550G>A on transcript NM_000264.5 (MANE Select); coding-DNA position 3550, G replaced by A.
Protein change: p.Val1184Met; replaces valine 1184 with methionine.
Molecular consequence: missense variant. On other transcripts: non-coding transcript variant (1).
Genome position (GRCh38, 1-based): chr9:95,449,323, C>T on the plus strand (G>A on the coding strand, the complement: PTCH1 is on the minus strand). VCF-style: chr9-95449323-C-T. GRCh37 (hg19) VCF-style: chr9-98211605-C-T.
Other names: c.3097G>A, p.Val1033Met (NM_001083607.3, NM_001083604.3, NM_001083605.3 and 1 more transcripts); c.3394G>A, p.Val1132Met (NM_001354918.2); c.3352G>A, p.Val1118Met (NM_001083602.3); c.3547G>A, p.Val1183Met (NM_001083603.3); short protein forms V1184M, V1183M, V1118M, V1132M, V1033M.
Identifiers: ClinVar variation 2053399 (VCV002053399.4), dbSNP rs2136603098, ClinGen allele CA374111418.

ClinVar aggregate classification (germline): Uncertain significance (1 of 4 stars; one submission).

Conditions:
Gorlin syndrome. Also called: Nevoid Basal Cell Carcinoma Syndrome; Basal cell nevus syndrome. Identifiers: Orphanet 377, MedGen C0004779, MONDO:0007187.

Submission:

Labcorp Genetics (formerly Invitae), Labcorp
Classification: Uncertain significance for Gorlin syndrome. Last evaluated: 2022-09-28. Review status: criteria provided, single submitter. Criteria: Invitae Variant Classification Sherloc (09022015). Collection method: clinical testing. Allele origin: germline.
Comment: In summary, the available evidence is currently insufficient to determine the role of this variant in disease. Therefore, it has been classified as a Variant of Uncertain Significance. Algorithms developed to predict the effect of missense changes on protein structure and function are either unavailable or do not agree on the potential impact of this missense change (SIFT: "Deleterious"; PolyPhen-2: "Probably Damaging"; Align-GVGD: "Class C0"). This variant has not been reported in the literature in individuals affected with PTCH1-related conditions. This variant is not present in population databases (gnomAD no frequency). This sequence change replaces valine, which is neutral and non-polar, with methionine, which is neutral and non-polar, at codon 1184 of the PTCH1 protein (p.Val1184Met).